The following continues an entry in ClinVar:

NM_000049.4(ASPA):c.693C>A (p.Tyr231Ter)

ClinVar aggregate classification (germline): Pathogenic. Pathogenic (14).

Submissions 12 to 18 of 18:

Women's Health and Genetics/Laboratory Corporation of America, LabCorp
Classification: Pathogenic for Canavan Disease, Familial Form. Last evaluated: 2016-05-06. Review status: criteria provided, single submitter. Criteria: LabCorp Variant Classification Summary - May 2015. Collection method: clinical testing. Allele origin: germline.
Comment: Variant summary: The ASPA c.693C>A variant is a nonsense mutation resulting in a premature termination codon. It is predicted to cause a truncated or absent ASPA protein, which is a commonly known mechanism for disease. Mutation taster predicts damaging outcome for this variant. This variant is found in 7/121216 control chromosomes at a frequency of 0.0000577, which does not exceed maximal expected frequency of a pathogenic allele (0.0079057). It was reported in several Canavan Disease patients in either homozygosity or in compound heterozygosity with pathogenic ASPA alleles indicating pathogenicity. A functional study demonstrated the variant to result in complete loss of ASPA activity, further supporting a disease causing impact In addition, clinical diagnostic laboratories and reputable databases classify variant as Pathogenic. Moreover, the variant is known to account for 14.8% of the disease alleles in Ashkenazi Jewish patients. Taken together, this variant was classified as Pathogenic.

Laboratory for Molecular Medicine, Mass General Brigham Personalized Medicine
Classification: Pathogenic for Spongy degeneration of central nervous system. Last evaluated: 2014-10-20. Review status: criteria provided, single submitter. Criteria: LMM Criteria. Collection method: clinical testing. Allele origin: germline. Inheritance: Autosomal recessive inheritance. Observed: 1 variant allele. Study: CSER-MedSeq.
Comment: The p.Tyr231X variant in ASPA has been reported in numerous individuals with Canavan disease (Kaul 1994) and is one of the most common disease-causing ASPA variants in the Ashkenazi Jewish population. It was absent from large population studies. This nonsense variant leads to a premature termination codon at position 231 which is predicted to lead to a truncated or absent protein. In summary, this variant meets our criteria to be classified as pathogenic for Canavan disease in an autosomal recessive manner.

Eurofins Ntd Llc (ga)
Classification: Pathogenic. Last evaluated: 2014-07-14. Review status: criteria provided, single submitter. Criteria: EGL Classification Definitions 2015. Collection method: clinical testing. Allele origin: germline. Observed: 5 variant alleles, 5 heterozygotes.

PreventionGenetics, part of Exact Sciences
Classification: Pathogenic for ASPA-related condition. Last evaluated: 2024-07-08. Review status: no assertion criteria provided. Collection method: clinical testing. Allele origin: germline. Not counted in ClinVar's aggregate classification.
Comment: The ASPA c.693C>A variant is predicted to result in premature protein termination (p.Tyr231*). This variant was reported in the compound heterozygous or homozygous states in individuals with Canavan disease, and is one of the most common causative variants in this gene in the Ashkenazi Jewish population (Kaul et al. 1994. PubMed ID: 8023850; Kaul et al. 1996. PubMed ID: 8659549; Zeng et al. 2002. PubMed ID: 12638939). This variant is reported in 0.14% of alleles in individuals of Ashkenazi Jewish descent in gnomAD. Nonsense variants in ASPA are expected to be pathogenic. This variant is interpreted as pathogenic.

Natera, Inc.
Classification: Pathogenic for Canavan Disease. Last evaluated: 2017-03-17. Review status: no assertion criteria provided. Collection method: clinical testing. Allele origin: germline. Not counted in ClinVar's aggregate classification.

OMIM
Classification: Pathogenic for CANAVAN DISEASE. Last evaluated: 1998-11-01. Review status: no assertion criteria provided. Collection method: literature only. Allele origin: germline. Not counted in ClinVar's aggregate classification.

GeneReviews
No classification provided. Condition: Spongy degeneration of central nervous system. Review status: no classification provided. Collection method: literature only. Allele origin: germline. Not counted in ClinVar's aggregate classification.

Literature cited by the submitters: PubMed 12638939 (cited by Labcorp Genetics (formerly Invitae), Labcorp); PubMed 8023850 (cited by 7 submitters); PubMed 8659549 (cited by 5 submitters); PubMed 10909858 (cited by 3 submitters); PubMed 34011350 (cited by Victorian Clinical Genetics Services, Murdoch Childrens Research Institute); PubMed 25668701 (cited by Victorian Clinical Genetics Services, Murdoch Childrens Research Institute); PubMed 16113575 (cited by Ambry Genetics); PubMed 25107638 (cited by Ambry Genetics); PubMed 23253610 (cited by Women's Health and Genetics/Laboratory Corporation of America, LabCorp); PubMed 11238686 (cited by Women's Health and Genetics/Laboratory Corporation of America, LabCorp); PubMed 8088831 (cited by OMIM); PubMed 9887384 (cited by OMIM).